The following is an entry in ClinVar:

NM_000051.4(ATM):c.8497T>C (p.Tyr2833His)

Genes: ATM (ATM serine/threonine kinase; plus strand), C11orf65 (chromosome 11 open reading frame 65; minus strand). Cytogenetic location: 11q22.3.
Variant type: single nucleotide variant.
Coding change: c.8497T>C on transcript NM_000051.4 (MANE Select); coding-DNA position 8497, T replaced by C.
Protein change: p.Tyr2833His; replaces tyrosine 2833 with histidine.
Molecular consequence: missense variant. On other transcripts: intron variant (2).
Genome position (GRCh38, 1-based): chr11:108,345,821, T>C. VCF-style: chr11-108345821-T-C. GRCh37 (hg19) VCF-style: chr11-108216548-T-C.
Other names: c.8497T>C, p.Tyr2833His (NM_001351834.2); c.641-36750A>G (NM_001330368.2); c.695-10529A>G (NM_001351110.2); short protein forms Y2833H.
Identifiers: ClinVar variation 418971 (VCV000418971.21), dbSNP rs774171813, ClinGen allele CA6266374.

ClinVar aggregate classification (germline): Uncertain significance. Review status: criteria provided, multiple submitters, no conflicts (2 of 4 stars). 7 submissions from 7 submitters: Uncertain significance (6). 1 of the submissions does not count toward it. Last evaluated 2025-10-27.

Conditions:
ATM-related cancer predisposition. Also called: ATM-related cancer susceptibility. Identifiers: MedGen CN377759, MONDO:0700270.
Hereditary cancer-predisposing syndrome. Also called: Neoplastic Syndromes, Hereditary; Hereditary Cancer Syndrome; Tumor predisposition; Hereditary neoplastic syndrome. Identifiers: Orphanet 140162, MedGen C0027672, MeSH D009386, MONDO:0015356.
Ataxia-telangiectasia syndrome (AT). Also called: LOUIS-BAR SYNDROME; Cerebello-oculocutaneous telangiectasia; Immunodeficiency with ataxia telangiectasia; Ataxia-telangiectasia, complementation group D; AT, COMPLEMENTATION GROUP C; Ataxia-telangiectasia, complementation group E. Identifiers: Orphanet 100, MedGen C0004135, MONDO:0008840, OMIM 208900.

Allele frequency attached by ClinVar (database versions not stated): gnomAD exomes 0.00001 and below 0.00001; ExAC 0.00001; TOPMed 0.00002; gnomAD 0.00001.
gnomAD v4.1: 3 of 1,613,814 alleles (0.00019%); highest among the groups gnomAD compares: Non-Finnish European, 0.00025%; no homozygotes.

Submissions (7):

Dasa
Classification: Uncertain significance for ATM-related cancer predisposition. Last evaluated: 2025-10-27. Review status: criteria provided, single submitter. Criteria: DASA Assertion Criteria. Collection method: clinical testing. Allele origin: germline.
Comment: NM_000051.4(ATM):c.8497T>C (p.Tyr2833His) is a missense variant that results in the substitution of tyrosine with histidine. This variant is rare in population databases. The currently available literature and clinical evidence are not sufficient to establish a definitive association between this variant and the reported condition. Therefore, this variant is classified as a variant of uncertain significance.

Labcorp Genetics (formerly Invitae), Labcorp
Classification: Uncertain significance for Ataxia-telangiectasia syndrome. Last evaluated: 2025-05-13. Review status: criteria provided, single submitter. Criteria: Invitae Variant Classification Sherloc (09022015). Collection method: clinical testing. Allele origin: germline.
Comment: This sequence change replaces tyrosine, which is neutral and polar, with histidine, which is basic and polar, at codon 2833 of the ATM protein (p.Tyr2833His). This variant is present in population databases (rs774171813, gnomAD 0.002%). This variant has not been reported in the literature in individuals affected with ATM-related conditions. ClinVar contains an entry for this variant (Variation ID: 418971). Invitae Evidence Modeling of protein sequence and biophysical properties (such as structural, functional, and spatial information, amino acid conservation, physicochemical variation, residue mobility, and thermodynamic stability) indicates that this missense variant is not expected to disrupt ATM protein function with a negative predictive value of 95%. In summary, the available evidence is currently insufficient to determine the role of this variant in disease. Therefore, it has been classified as a Variant of Uncertain Significance.

Ambry Genetics
Classification: Uncertain significance for Hereditary cancer-predisposing syndrome. Last evaluated: 2025-01-20. Review status: criteria provided, single submitter. Criteria: Ambry Variant Classification Scheme 2023. Collection method: clinical testing. Allele origin: germline.
Comment: The p.Y2833H variant (also known as c.8497T>C), located in coding exon 57 of the ATM gene, results from a T to C substitution at nucleotide position 8497. The tyrosine at codon 2833 is replaced by histidine, an amino acid with similar properties. This amino acid position is well conserved in available vertebrate species. In addition, this alteration is predicted to be tolerated by in silico analysis. Since supporting evidence is limited at this time, the clinical significance of this alteration remains unclear.

Color Diagnostics, LLC DBA Color Health
Classification: Uncertain significance for Hereditary cancer-predisposing syndrome. Last evaluated: 2024-03-06. Review status: criteria provided, single submitter. Criteria: ACMG Guidelines, 2015. Collection method: clinical testing. Allele origin: germline.
Comment: This missense variant replaces tyrosine with histidine at codon 2833 of the ATM protein. Computational prediction suggests that this variant may not impact protein structure and function (internally defined REVEL score threshold <= 0.5, PMID: 27666373). To our knowledge, functional studies have not been reported for this variant. This variant has not been reported in individuals affected with hereditary cancer in the literature. This variant has been identified in 2/251282 chromosomes in the general population by the Genome Aggregation Database (gnomAD). The available evidence is insufficient to determine the role of this variant in disease conclusively. Therefore, this variant is classified as a Variant of Uncertain Significance.

Mendelics
Classification: Uncertain significance for Ataxia-telangiectasia syndrome. Last evaluated: 2018-07-02. Review status: criteria provided, single submitter. Criteria: Mendelics Assertion Criteria 2017. Collection method: clinical testing. Allele origin: unknown.

GeneDx
Classification: Uncertain significance. Last evaluated: 2015-05-01. Review status: criteria provided, single submitter. Criteria: GeneDx Variant Classification (06012015). Collection method: clinical testing. Allele origin: germline. Affected: yes.
Comment: This variant is denoted ATM c.8497T>C at the cDNA level, p.Tyr2833His (Y2833H) at the protein level, and results in the change of a Tyrosine to a Histidine (TAC>CAC). This variant has not, to our knowledge, been published in the literature as pathogenic or benign. ATM Tyr2833His was not observed in approximately 6,500 individuals of European and African American ancestry in the NHLBI Exome Sequencing Project, indicating it is not a common benign variant in these populations. Since Tyrosine and Histidine differ in polarity, charge, size or other properties, this is considered a non-conservative amino acid substitution. ATM Tyr2833His occurs at a position that is conserved in mammals and is located in the kinase domain (Stracker 2013). In silico analyses are inconsistent regarding the effect this variant may have on protein structure and function. Based on currently available information, it is unclear whether ATM Tyr2833His is pathogenic or benign. We consider it to be a variant of uncertain significance.

Natera, Inc.
Classification: Uncertain significance for Ataxia-telangiectasia. Last evaluated: 2020-09-16. Review status: no assertion criteria provided. Collection method: clinical testing. Allele origin: germline. Not counted in ClinVar's aggregate classification.